The following is an entry in ClinVar:

NM_133433.4(NIPBL):c.-79-1599TG[15]

Gene: NIPBL (NIPBL cohesin loading factor; plus strand). Cytogenetic location: 5p13.2.
Variant type: Microsatellite.
Coding change: c.-79-1599TG[15] on transcript NM_133433.4 (MANE Select); 15 copies in a row of the 2-base unit TG starting at c.-79-1599; the reference has 18 copies in a row; three copies, 6 bases deleted.
Molecular consequence: intron variant.
Genome position (GRCh38, 1-based): chr5:36,952,049-36,952,054, TGTGTG deleted; deleting any 6 consecutive bases within chr5:36,952,019-36,952,054 gives the same sequence; the position shown is the placement nearest the transcript's 3' end. VCF-style (leftmost placement, unchanged base first): chr5-36952018-CTGTGTG-C. GRCh37 (hg19) VCF-style: chr5-36952120-CTGTGTG-C.
Other names: c.-79-1599TG[15] (NM_015384.5).
Identifiers: ClinVar variation 1879621 (VCV001879621.29), dbSNP rs60067315, ClinGen allele CA810290828.

ClinVar aggregate classification (germline): Likely benign (1 of 4 stars; one submission).

Submission:

CeGaT Center for Human Genetics Tuebingen
Classification: Likely benign. Last evaluated: 2026-03-01. Review status: criteria provided, single submitter. Criteria: CeGaT Center For Human Genetics Tuebingen Variant Classification Criteria Version 2. Collection method: clinical testing. Allele origin: germline. Affected: yes. Observed: 7 variant alleles.
Comment: NIPBL: BS1